The following is an entry in ClinVar:

ClinVar aggregate classification (germline): Uncertain significance (1 of 4 stars; one submission).

Conditions:
Wilms tumor 1 (WT1). Also called: Wilms tumor, somatic. Identifiers: Orphanet 654, MedGen CN033288, MONDO:0008679, OMIM 194070.

Submission:

All of Us Research Program, National Institutes of Health
Classification: Uncertain significance for Wilms tumor 1. Last evaluated: 2023-05-31. Review status: criteria provided, single submitter. Criteria: ACMG Guidelines, 2015. Collection method: clinical testing. Allele origin: germline. Inheritance: Autosomal dominant inheritance. Observed: 1 variant allele, 1 heterozygote.
Comment: This study involves interpretation of variants in research participants for the purpose of population health screening. Participant phenotype was not available at the time of variant classification. Additional details can be found in publication PMID: 35346344, PMCID: PMC8962531

NM_024426.6(WT1):c.239A>G (p.Asp80Gly)

Genes: WT1 (WT1 transcription factor; minus strand), LOC107982234 (WT1/WT1-AS bi-directional promoter region; plus strand). Cytogenetic location: 11p13.
Variant type: single nucleotide variant.
Coding change: c.239A>G on transcript NM_024426.6 (MANE Select); coding-DNA position 239, A replaced by G.
Protein change: p.Asp80Gly; replaces aspartic acid 80 with glycine.
Molecular consequence: missense variant. On other transcripts: non-coding transcript variant (2).
Genome position (GRCh38, 1-based): chr11:32,435,122, T>C on the plus strand (A>G on the coding strand, the complement: WT1 is on the minus strand). VCF-style: chr11-32435122-T-C. GRCh37 (hg19) VCF-style: chr11-32456668-T-C.
Other names: c.239A>G, p.Asp80Gly (NM_000378.6, NM_001407044.1, NM_001407045.1 and 6 more transcripts); c.20A>G, p.Asp7Gly (NM_001429031.1, NM_001429032.1, NM_001429033.1 and 1 more transcripts); c.224A>G, p.Asp75Gly (NM_024425.2); short protein forms D75G, D7G, D80G.
Identifiers: ClinVar variation 3071291 (VCV003071291.1), dbSNP rs2494485827, ClinGen allele CA379966091.